The following is an entry in ClinVar:

ClinVar aggregate classification (germline): Uncertain significance (1 of 4 stars; one submission).

Conditions:
Intellectual developmental disorder, autosomal dominant 72 (MRD72). Identifiers: Orphanet 652487, MedGen C5830612, MONDO:0957397, OMIM 620439.

gnomAD v4.1: 6 of 1,614,156 alleles (0.00037%); highest among the groups gnomAD compares: South Asian, 0.0033%; no homozygotes.

Submission:

Foundation for Research in Genetics and Endocrinology, FRIGE's Institute of Human Genetics
Classification: Uncertain significance for Intellectual developmental disorder, autosomal dominant 72. Last evaluated: 2025-01-28. Review status: criteria provided, single submitter. Criteria: ACMG Guidelines, 2015. Collection method: clinical testing. Allele origin: germline. Inheritance: Autosomal dominant inheritance. Affected: yes. Observed: 1 heterozygote.
Comment: A heterozygous missense variant in exon 11 of the SRRM2 gene that results in the amino acid substitution of Phenylalanine for Serine at codon 713 was detected. The observed variant c.2138C>T (p.Ser713Phe) has not been reported in the 1000 genomes and gnomAD databases. The in silico prediction of the variant is damaging by SIFT and LRT. The reference codon is conserved across mammals. In summary, the variant meets our criteria to be classified as a variant of uncertain significance.

NM_016333.4(SRRM2):c.2138C>T (p.Ser713Phe)

Gene: SRRM2 (serine/arginine repetitive matrix 2; plus strand). Cytogenetic location: 16p13.3.
Variant type: single nucleotide variant.
Coding change: c.2138C>T on transcript NM_016333.4 (MANE Select); coding-DNA position 2138, C replaced by T.
Protein change: p.Ser713Phe; replaces serine 713 with phenylalanine.
Molecular consequence: missense variant.
Genome position (GRCh38, 1-based): chr16:2,762,666, C>T. VCF-style: chr16-2762666-C-T. GRCh37 (hg19) VCF-style: chr16-2812667-C-T.
Other names: p.Ser713Phe; short protein forms S713F.
Identifiers: ClinVar variation 3629475 (VCV003629475.2).